The following is an entry in ClinVar:

ClinVar aggregate classification (germline): Likely benign. Review status: criteria provided, multiple submitters, no conflicts (2 of 4 stars). 3 submissions from 3 submitters: Likely benign (2). 1 of the submissions does not count toward it. Last evaluated 2026-01-20.

Conditions:
AP3B1-related disorder. Also called: AP3B1-related condition.
Hermansky-Pudlak syndrome 2 (HPS2). Also called: Platelet defects and oculocutaneous albinism. Identifiers: Orphanet 183678, Orphanet 79430, MedGen C1842362, MONDO:0011997, OMIM 608233.

Allele frequency attached by ClinVar (database versions not stated): TOPMed below 0.00001; gnomAD exomes 0.00001; ExAC 0.00002.
gnomAD v4.1: 9 of 1,613,208 alleles (0.00056%); no homozygotes.

Submissions (3):

Labcorp Genetics (formerly Invitae), Labcorp
Classification: Likely benign for Hermansky-Pudlak syndrome 2. Last evaluated: 2026-01-20. Review status: criteria provided, single submitter. Criteria: Invitae Variant Classification Sherloc (09022015). Collection method: clinical testing. Allele origin: germline.

Blueprint Genetics
Classification: Likely benign. Last evaluated: 2021-10-19. Review status: criteria provided, single submitter. Criteria: ACMG Guidelines, 2015. Collection method: clinical testing. Allele origin: germline.

PreventionGenetics, part of Exact Sciences
Classification: Likely benign for AP3B1-related condition. Last evaluated: 2020-12-21. Review status: no assertion criteria provided. Collection method: clinical testing. Allele origin: germline. Not counted in ClinVar's aggregate classification.
Comment: This variant is classified as likely benign based on ACMG/AMP sequence variant interpretation guidelines (Richards et al. 2015 PMID: 25741868, with internal and published modifications).

NM_003664.5(AP3B1):c.2502C>G (p.Pro834=)

Gene: AP3B1 (adaptor related protein complex 3 subunit beta 1; minus strand). Cytogenetic location: 5q14.1.
Variant type: single nucleotide variant.
Coding change: c.2502C>G on transcript NM_003664.5 (MANE Select); coding-DNA position 2502, C replaced by G.
Protein change: p.Pro834=; no amino-acid change (proline 834 retained).
Molecular consequence: synonymous variant.
Genome position (GRCh38, 1-based): chr5:78,089,468, G>C on the plus strand (C>G on the coding strand, the complement: AP3B1 is on the minus strand). VCF-style: chr5-78089468-G-C. GRCh37 (hg19) VCF-style: chr5-77385292-G-C.
Other names: c.2355C>G, p.Pro785= (NM_001271769.2).
Identifiers: ClinVar variation 750953 (VCV000750953.10), dbSNP rs747086403, ClinGen allele CA3316745.
Genomic context (GRCh38, chr5:78,089,468, plus strand): 5'-GGAAGTTGACAAGTGTAAACCTTCAAGATCAGCCATCAAACTTGGAGAAAGAGCTGGTGT[G>C]GGAAGTGCAACTGGAGTGGATACTGGGTTAACTGTAAGAAAAGGCCCAAATTAGTAAATG-3'
Protein context (NP_003655.3, residues 824-844): FNPVSTPVAL[Pro834=]TPALSPSLMA